The following is an entry in ClinVar:

NM_004006.3(DMD):c.7755G>A (p.Trp2585Ter)

Gene: DMD (dystrophin; minus strand). Cytogenetic location: Xp21.1.
Variant type: single nucleotide variant.
Coding change: c.7755G>A on transcript NM_004006.3 (MANE Select); coding-DNA position 7755, G replaced by A.
Protein change: p.Trp2585Ter; replaces tryptophan 2585 with a stop codon.
Molecular consequence: nonsense.
Genome position (GRCh38, 1-based): chrX:31,679,492, C>T on the plus strand (G>A on the coding strand, the complement: DMD is on the minus strand). VCF-style: chrX-31679492-C-T. GRCh37 (hg19) VCF-style: chrX-31697609-C-T.
Other names: c.7731G>A, p.Trp2577Ter (NM_000109.4); c.7743G>A, p.Trp2581Ter (NM_004009.3); c.7386G>A, p.Trp2462Ter (NM_004010.3); c.3732G>A, p.Trp1244Ter (NM_004011.4); c.3723G>A, p.Trp1241Ter (NM_004012.4); c.375G>A, p.Trp125Ter (NM_004013.3, NM_004020.4, NM_004021.3 and 2 more transcripts); short protein forms W2585*, W1241*, W2581*, W1244*, W125*, W2462*, W2577*.
Identifiers: ClinVar variation 217210 (VCV000217210.10), dbSNP rs762394978, ClinGen allele CA347558.

ClinVar aggregate classification (germline): Pathogenic. Review status: criteria provided, multiple submitters, no conflicts (2 of 4 stars). 2 submissions from 2 submitters: Pathogenic (2). Last evaluated 2024-02-17.

Conditions:
Duchenne muscular dystrophy (DMD). Also called: MUSCULAR DYSTROPHY, PSEUDOHYPERTROPHIC PROGRESSIVE, DUCHENNE TYPE; Duchenne Muscular Dystrophy (DMD). Identifiers: Orphanet 98896, MedGen C0013264, MONDO:0010679, OMIM 310200.

Submissions (2):

Labcorp Genetics (formerly Invitae), Labcorp
Classification: Pathogenic for Duchenne muscular dystrophy. Last evaluated: 2024-02-17. Review status: criteria provided, single submitter. Criteria: Invitae Variant Classification Sherloc (09022015). Collection method: clinical testing. Allele origin: germline.
Comment: This sequence change creates a premature translational stop signal (p.Trp2585*) in the DMD gene. It is expected to result in an absent or disrupted protein product. Loss-of-function variants in DMD are known to be pathogenic (PMID: 16770791, 25007885). This variant is not present in population databases (gnomAD no frequency). This premature translational stop signal has been observed in individual(s) with Duchenne muscular dystrophy (PMID: 16834926). ClinVar contains an entry for this variant (Variation ID: 217210). For these reasons, this variant has been classified as Pathogenic.

Athena Diagnostics
Classification: Pathogenic for Duchenne muscular dystrophy. Last evaluated: 2015-08-12. Review status: criteria provided, single submitter. Criteria: Athena Diagnostics Criteria. Collection method: clinical testing. Allele origin: germline. Inheritance: X-linked recessive inheritance.
Comment: X-linked recessive inheritance

Literature cited by the submitters: PubMed 16770791 (cited by Labcorp Genetics (formerly Invitae), Labcorp); PubMed 25007885 (cited by Labcorp Genetics (formerly Invitae), Labcorp); PubMed 16834926 (cited by Labcorp Genetics (formerly Invitae), Labcorp and Athena Diagnostics).